The following is an entry in ClinVar:

ClinVar aggregate classification (germline): Uncertain significance. Review status: criteria provided, multiple submitters, no conflicts (2 of 4 stars). 2 submissions from 2 submitters: Uncertain significance (2). Last evaluated 2024-06-24.

Conditions:
Inborn genetic diseases. Identifiers: MedGen C0950123, MeSH D030342.
MHC class I deficiency. Identifiers: Orphanet 34592, MedGen C6024714, MONDO:0011476.

Allele frequency attached by ClinVar (database versions not stated): gnomAD 0.00001; gnomAD exomes 0.00001; TOPMed 0.00001.

Submissions (2):

Labcorp Genetics (formerly Invitae), Labcorp
Classification: Uncertain significance for MHC class I deficiency 1. Last evaluated: 2024-06-24. Review status: criteria provided, single submitter. Criteria: Invitae Variant Classification Sherloc (09022015). Collection method: clinical testing. Allele origin: germline.
Comment: This sequence change replaces arginine, which is basic and polar, with tryptophan, which is neutral and slightly polar, at codon 719 of the TAP1 protein (p.Arg719Trp). The frequency data for this variant in the population databases is considered unreliable, as metrics indicate poor data quality at this position in the gnomAD database. This variant has not been reported in the literature in individuals affected with TAP1-related conditions. ClinVar contains an entry for this variant (Variation ID: 1980207). An algorithm developed to predict the effect of missense changes on protein structure and function (PolyPhen-2) suggests that this variant is likely to be disruptive. In summary, the available evidence is currently insufficient to determine the role of this variant in disease. Therefore, it has been classified as a Variant of Uncertain Significance.

Ambry Genetics
Classification: Uncertain significance for Inborn genetic diseases. Last evaluated: 2022-03-28. Review status: criteria provided, single submitter. Criteria: Ambry Variant Classification Scheme 2023. Collection method: clinical testing. Allele origin: germline.

NM_000593.6(TAP1):c.1975C>T (p.Arg659Trp)

Gene: TAP1 (transporter 1, ATP binding cassette subfamily B member; minus strand). Cytogenetic location: 6p21.32.
Variant type: single nucleotide variant.
Coding change: c.1975C>T on transcript NM_000593.6 (MANE Select); coding-DNA position 1975, C replaced by T.
Protein change: p.Arg659Trp; replaces arginine 659 with tryptophan.
Molecular consequence: missense variant.
Genome position (GRCh38, 1-based): chr6:32,847,133, G>A on the plus strand (C>T on the coding strand, the complement: TAP1 is on the minus strand). VCF-style: chr6-32847133-G-A. GRCh37 (hg19) VCF-style: chr6-32814910-G-A.
Other names: c.1372C>T, p.Arg458Trp (NM_001292022.2); short protein forms R659W, R458W.
Identifiers: ClinVar variation 1980207 (VCV001980207.5), dbSNP rs946536215, ClinGen allele CA137013306.